The following is an entry in ClinVar:

NM_152416.4(NDUFAF6):c.580+343G>A

Gene: NDUFAF6 (NADH:ubiquinone oxidoreductase complex assembly factor 6; plus strand). Cytogenetic location: 8q22.1.
Variant type: single nucleotide variant.
Coding change: c.580+343G>A on transcript NM_152416.4 (MANE Select); 343 bases into the intron after coding-DNA position 580, G replaced by A.
Molecular consequence: intron variant.
Genome position (GRCh38, 1-based): chr8:95,045,990, G>A. VCF-style: chr8-95045990-G-A. GRCh37 (hg19) VCF-style: chr8-96058218-G-A.
Other names: c.247+343G>A (NM_001354534.2, NM_001354518.2, NM_001354519.2 and 1 more transcripts); c.304+343G>A (NM_001354514.2, NM_001354515.2, NM_001330582.2 and 1 more transcripts); c.124+343G>A (NM_001354525.2, NM_001354524.2, NM_001354522.2 and 7 more transcripts); c.424+343G>A (NM_001354516.2).
Identifiers: ClinVar variation 681196 (VCV000681196.1), dbSNP rs2678836, ClinGen allele CA16342877.
Genomic context (GRCh38, chr8:95,045,990, plus strand): 5'-ACTATAGCATCTCCTACAATTTGGAAGGCCTATAGCCTGACTCTTCCTTTCGTGTTAATA[G>A]TACTTATCCATGGAAAAAGAAAAGTAGAAGAAGTAAAACACATTTATTTTATTTTATTTT-3'

ClinVar aggregate classification (germline): Benign (1 of 4 stars; one submission).

Allele frequency attached by ClinVar (database versions not stated): TOPMed 0.89534; gnomAD 0.89561 and 0.90068; 1000 Genomes Project 30x 0.90225; 1000 Genomes Project 0.90655.
gnomAD v4.1: 137,033 of 152,044 alleles (90%); highest among the groups gnomAD compares: East Asian, 100%; 62,129 homozygotes.

Submission:

GeneDx
Classification: Benign. Last evaluated: 2018-06-14. Review status: criteria provided, single submitter. Criteria: GeneDx Variant Classification (06012015). Collection method: clinical testing. Allele origin: germline. Affected: yes.
Comment: This variant is considered likely benign or benign based on one or more of the following criteria: it is a conservative change, it occurs at a poorly conserved position in the protein, it is predicted to be benign by multiple in silico algorithms, and/or has population frequency not consistent with disease.